The following is an entry in ClinVar:

NM_018993.4(RIN2):c.1270G>A (p.Gly424Arg)

Gene: RIN2 (Ras and Rab interactor 2; plus strand). Cytogenetic location: 20p11.23.
Variant type: single nucleotide variant.
Coding change: c.1270G>A on transcript NM_018993.4 (MANE Select); coding-DNA position 1270, G replaced by A.
Protein change: p.Gly424Arg; replaces glycine 424 with arginine.
Molecular consequence: missense variant.
Genome position (GRCh38, 1-based): chr20:19,975,295, G>A. VCF-style: chr20-19975295-G-A. GRCh37 (hg19) VCF-style: chr20-19955939-G-A.
Other names: c.1417G>A, p.Gly473Arg (NM_001242581.2); c.652G>A, p.Gly218Arg (NM_001378238.1); short protein forms G218R, G424R, G473R.
Identifiers: ClinVar variation 3769664 (VCV003769664.1).
Genomic context (GRCh38, chr20:19,975,295, plus strand): 5'-GCCCCGGGGGATTGCACAAGGGCCCCGCCGCCCAGCTCTGAATCACGGCCCCCGTGCCAT[G>A]GAGGCCGGCAGCGGCTGAGCGACATGAGCATTTCTACTTCCTCCTCCGACTCGCTGGAGT-3'
Protein context (NP_061866.1, residues 414-434): PSSESRPPCH[Gly424Arg]GRQRLSDMSI

ClinVar aggregate classification (germline): Uncertain significance (1 of 4 stars; one submission).

gnomAD v4.1: 2 of 1,603,908 alleles (0.00012%); highest among the groups gnomAD compares: African/African-American, 0.0013%; no homozygotes.

Submission:

GeneDx
Classification: Uncertain significance. Last evaluated: 2024-09-13. Review status: criteria provided, single submitter. Criteria: GeneDx Variant Classification Process June 2021. Collection method: clinical testing. Allele origin: germline. Affected: yes.
Comment: Not observed at significant frequency in large population cohorts (gnomAD); In silico analysis indicates that this missense variant does not alter protein structure/function; Has not been previously published as pathogenic or benign to our knowledge